The following is an entry in ClinVar:

ClinVar aggregate classification (germline): Uncertain significance. Review status: criteria provided, multiple submitters, no conflicts (2 of 4 stars). 2 submissions from 2 submitters: Uncertain significance (2). Last evaluated 2025-04-12.

Conditions:
Hereditary cancer-predisposing syndrome. Also called: Hereditary neoplastic syndrome; Neoplastic Syndromes, Hereditary; Hereditary Cancer Syndrome; Tumor predisposition. Identifiers: Orphanet 140162, MedGen C0027672, MeSH D009386, MONDO:0015356.
Gastrointestinal stromal tumor. Also called: Gastrointestinal stromal tumor, somatic; Gastrointestinal stroma tumor. Identifiers: Orphanet 44890, MedGen C0238198, MeSH D046152, MONDO:0011719, OMIM 606764, HP:0100723.

Allele frequency attached by ClinVar (database versions not stated): gnomAD exomes below 0.00001.
gnomAD v4.1: 1 of 1,612,226 alleles (0.000062%); highest among the groups gnomAD compares: African/African-American, 0.0013%; no homozygotes.

Submissions (2):

Ambry Genetics
Classification: Uncertain significance for Hereditary cancer-predisposing syndrome. Last evaluated: 2025-04-12. Review status: criteria provided, single submitter. Criteria: Ambry Variant Classification Scheme 2023. Collection method: clinical testing. Allele origin: germline.
Comment: The p.K904Q variant (also known as c.2710A>C), located in coding exon 20 of the KIT gene, results from an A to C substitution at nucleotide position 2710. The lysine at codon 904 is replaced by glutamine, an amino acid with similar properties. This amino acid position is conserved. In addition, this alteration is predicted to be tolerated by in silico analysis. Based on the available evidence, the clinical significance of this variant remains unclear.

Labcorp Genetics (formerly Invitae), Labcorp
Classification: Uncertain significance for Gastrointestinal stromal tumor. Last evaluated: 2021-09-29. Review status: criteria provided, single submitter. Criteria: Invitae Variant Classification Sherloc (09022015). Collection method: clinical testing. Allele origin: germline.
Comment: This sequence change replaces lysine with glutamine at codon 904 of the KIT protein (p.Lys904Gln). The lysine residue is highly conserved and there is a small physicochemical difference between lysine and glutamine. In summary, the available evidence is currently insufficient to determine the role of this variant in disease. Therefore, it has been classified as a Variant of Uncertain Significance. Algorithms developed to predict the effect of missense changes on protein structure and function are either unavailable or do not agree on the potential impact of this missense change (SIFT: "Tolerated"; PolyPhen-2: "Probably Damaging"; Align-GVGD: "Class C0"). This variant has not been reported in the literature in individuals affected with KIT-related conditions. This variant is not present in population databases (ExAC no frequency).

NM_000222.3(KIT):c.2710A>C (p.Lys904Gln)

Gene: KIT (KIT proto-oncogene, receptor tyrosine kinase; plus strand). Cytogenetic location: 4q12.
Variant type: single nucleotide variant.
Coding change: c.2710A>C on transcript NM_000222.3 (MANE Select); coding-DNA position 2710, A replaced by C.
Protein change: p.Lys904Gln; replaces lysine 904 with glutamine.
Molecular consequence: missense variant.
Genome position (GRCh38, 1-based): chr4:54,737,188, A>C. VCF-style: chr4-54737188-A-C. GRCh37 (hg19) VCF-style: chr4-55603354-A-C.
Other names: c.2698A>C, p.Lys900Gln (NM_001093772.2, NM_001385292.1); c.2713A>C, p.Lys905Gln (NM_001385284.1); c.2707A>C, p.Lys903Gln (NM_001385285.1); c.2695A>C, p.Lys899Gln (NM_001385286.1); c.2701A>C, p.Lys901Gln (NM_001385288.1); c.2710A>C, p.Lys904Gln (NM_001385290.1); short protein forms K900Q, K904Q, K899Q, K901Q, K903Q, K905Q.
Identifiers: ClinVar variation 959990 (VCV000959990.9), dbSNP rs1722968421, ClinGen allele CA356914227.